The following is an entry in ClinVar:

ClinVar aggregate classification (germline): Pathogenic (1 of 4 stars; one submission).

Conditions:
Polycystic kidney disease, adult type (PKD1). Also called: Polycystic Kidney Disease 1, Autosomal Dominant; Polycystic kidney disease 1; Polycystic kidney disease 1, severe; Polycystic Kidney, Autosomal Dominant; POLYCYSTIC KIDNEY DISEASE 1 WITH OR WITHOUT POLYCYSTIC LIVER DISEASE; POLYCYSTIC KIDNEY DISEASE, ADULT, TYPE I. Identifiers: MedGen C3149841, MONDO:0008263, OMIM 173900.

Submission:

MVZ Medizinische Genetik Mainz
Classification: Pathogenic for Polycystic kidney disease, adult type. Last evaluated: 2024-01-30. Review status: criteria provided, single submitter. Criteria: UK Practice Guidelines For Variant Classification V4 01 2020. Collection method: clinical testing. Allele origin: germline. Inheritance: Autosomal dominant inheritance. Affected: yes. Observed: 1 variant allele.
Comment: ACMG Criteria: PVS1,PM2_SUP,PP4

NM_001009944.3(PKD1):c.8691del (p.Val2898fs)

Gene: PKD1 (polycystin 1, transient receptor potential channel interacting; minus strand). Cytogenetic location: 16p13.3.
Variant type: Deletion.
Coding change: c.8691del on transcript NM_001009944.3 (MANE Select); coding-DNA position 8691, one base deleted (T; older notation c.8691delT).
Protein change: p.Val2898fs; shifts the reading frame from valine 2898.
Molecular consequence: frameshift variant.
Genome position (GRCh38, 1-based): chr16:2,103,366, A deleted on the plus strand (T on the coding strand, the reverse complement: PKD1 is on the minus strand); the first of 2 consecutive A bases (chr16:2,103,366-2,103,367); deleting either gives the same sequence. VCF-style (leftmost placement, unchanged base first): chr16-2103365-CA-C. GRCh37 (hg19) VCF-style: chr16-2153366-CA-C.
Other names: c.8691del, p.Val2898fs (NM_000296.4); short protein forms V2898fs.
Identifiers: ClinVar variation 3236109 (VCV003236109.1), dbSNP rs2544742014, ClinGen allele CA2825002367.
Genomic context (GRCh38, chr16:2,103,365, plus strand): 5'-CCGCAGGGTTGCTGCTGTCCAGGGTGACCACAGCACCGACGGAGGCCTGGGGCTGGACCA[CA>C]ACGGAGTTGGCGGAGTTGGCGGAGCTGCGGTGGCCCCGGGCAGCCCAGTCCGAGTTGTTG-3'